The following is an entry in ClinVar:

NM_032043.3(BRIP1):c.2669A>C (p.Lys890Thr)

Gene: BRIP1 (BRCA1 interacting DNA helicase 1; minus strand). Cytogenetic location: 17q23.2.
Variant type: single nucleotide variant.
Coding change: c.2669A>C on transcript NM_032043.3 (MANE Select); coding-DNA position 2669, A replaced by C.
Protein change: p.Lys890Thr; replaces lysine 890 with threonine.
Molecular consequence: missense variant.
Genome position (GRCh38, 1-based): chr17:61,686,072, T>G on the plus strand (A>C on the coding strand, the complement: BRIP1 is on the minus strand). VCF-style: chr17-61686072-T-G. GRCh37 (hg19) VCF-style: chr17-59763433-T-G.
Other names: short protein forms K890T.
Identifiers: ClinVar variation 4867941 (VCV004867941.1).
Genomic context (GRCh38, chr17:61,686,072, plus strand): 5'-TCAAGTGTAGACTCATTGTCCTGTATATTGGTTCTGTCCTTTATGGATACATTAAGAACT[T>G]TTTGATGCTTTTTGGAAAATTCAGCCAAGGATTCCAGTGCACTTTCAAAGGTTGAATGGT-3'
Protein context (NP_114432.2, residues 880-900): SLAEFSKKHQ[Lys890Thr]VLNVSIKDRT

ClinVar aggregate classification (germline): Uncertain significance (1 of 4 stars; one submission).

Conditions:
Hereditary cancer-predisposing syndrome. Also called: Neoplastic Syndromes, Hereditary; Tumor predisposition; Hereditary Cancer Syndrome; Hereditary neoplastic syndrome. Identifiers: Orphanet 140162, MedGen C0027672, MeSH D009386, MONDO:0015356.

Submission:

Ambry Genetics
Classification: Uncertain significance for Hereditary cancer-predisposing syndrome. Last evaluated: 2026-06-05. Review status: criteria provided, single submitter. Criteria: Ambry Variant Classification Scheme 2023. Collection method: clinical testing. Allele origin: germline.
Comment: The p.K890T variant (also known as c.2669A>C), located in coding exon 18 of the BRIP1 gene, results from an A to C substitution at nucleotide position 2669. The lysine at codon 890 is replaced by threonine, an amino acid with similar properties. This amino acid position is conserved. In addition, this alteration is predicted to be tolerated by in silico analysis. Based on the available evidence, the clinical significance of this variant remains unclear.